The following is an entry in ClinVar:

NM_006912.6(RIT1):c.157A>G (p.Thr53Ala)

Gene: RIT1 (Ras like without CAAX 1; minus strand). Cytogenetic location: 1q22.
Variant type: single nucleotide variant.
Coding change: c.157A>G on transcript NM_006912.6 (MANE Select); coding-DNA position 157, A replaced by G.
Protein change: p.Thr53Ala; replaces threonine 53 with alanine.
Molecular consequence: missense variant.
Genome position (GRCh38, 1-based): chr1:155,910,456, T>C on the plus strand (A>G on the coding strand, the complement: RIT1 is on the minus strand). VCF-style: chr1-155910456-T-C. GRCh37 (hg19) VCF-style: chr1-155880247-T-C.
Other names: c.49A>G, p.Thr17Ala (NM_001256820.2); c.208A>G, p.Thr70Ala (NM_001256821.2); short protein forms T17A, T53A, T70A.
Identifiers: ClinVar variation 4976282 (VCV004976282.1).
Genomic context (GRCh38, chr1:155,910,456, plus strand): 5'-ATTAAGATATTTTTATGGGGTATATTTGGAAACATAAGTGATGATCTGGCTTACCAATGG[T>C]GGGATCATGATCTTCTGGGAATCGGTGGCTGATGAACTGCATGGTCATGGCTTCAAAAGA-3'
Protein context (NP_008843.1, residues 43-63): SHRFPEDHDP[Thr53Ala]IEDAYKIRIR

ClinVar aggregate classification (germline): Uncertain significance (1 of 4 stars; one submission).

Submission:

GeneDx
Classification: Uncertain significance. Last evaluated: 2026-02-09. Review status: criteria provided, single submitter. Criteria: GeneDx Variant Classification Process June 2021. Collection method: clinical testing. Allele origin: germline.
Comment: Not observed at significant frequency in large population cohorts (gnomAD); In silico analysis supports that this missense variant has a deleterious effect on protein structure/function; Has not been previously published as pathogenic or benign to our knowledge